The following is an entry in ClinVar:

NM_004998.4(MYO1E):c.1672C>G (p.Pro558Ala)

Gene: MYO1E (myosin IE; minus strand). Cytogenetic location: 15q22.2.
Variant type: single nucleotide variant.
Coding change: c.1672C>G on transcript NM_004998.4 (MANE Select); coding-DNA position 1672, C replaced by G.
Protein change: p.Pro558Ala; replaces proline 558 with alanine.
Molecular consequence: missense variant.
Genome position (GRCh38, 1-based): chr15:59,202,352, G>C on the plus strand (C>G on the coding strand, the complement: MYO1E is on the minus strand). VCF-style: chr15-59202352-G-C. GRCh37 (hg19) VCF-style: chr15-59494551-G-C.
Other names: short protein forms P558A.
Identifiers: ClinVar variation 3372390 (VCV003372390.1).
Genomic context (GRCh38, chr15:59,202,352, plus strand): 5'-TAAGAATCTATAAACTTCCTAAAATAGAACTAACCTTTATTTTGCTTCCGGCAGTAGTTG[G>C]GCGCCCTTTCTTGTCAGCCTGCAGATTTTCCGGAAATAAAGACTTTATGAAAGGCCTGGA-3'
Protein context (NP_004989.2, residues 548-568): ENLQADKKGR[Pro558Ala]TTAGSKIKKQ

ClinVar aggregate classification (germline): Uncertain significance (1 of 4 stars; one submission).

Submission:

GeneDx
Classification: Uncertain significance. Last evaluated: 2024-04-10. Review status: criteria provided, single submitter. Criteria: GeneDx Variant Classification Process June 2021. Collection method: clinical testing. Allele origin: germline. Affected: yes.
Comment: Not observed at significant frequency in large population cohorts (gnomAD); In silico analysis supports that this missense variant has a deleterious effect on protein structure/function; Has not been previously published as pathogenic or benign to our knowledge